The following is an entry in ClinVar:

NM_001126108.2(SLC12A3):c.1335+1G>C

Gene: SLC12A3 (solute carrier family 12 member 3; plus strand). Cytogenetic location: 16q13.
Variant type: single nucleotide variant.
Coding change: c.1335+1G>C on transcript NM_001126108.2 (MANE Select); the canonical splice donor site of the intron after coding-DNA position 1335, G replaced by C.
Molecular consequence: splice donor variant.
Genome position (GRCh38, 1-based): chr16:56,879,228, G>C. VCF-style: chr16-56879228-G-C. GRCh37 (hg19) VCF-style: chr16-56913140-G-C.
Other names: c.1335+1G>C (NM_000339.2, NM_000339.3); c.1332+1G>C (NM_001126107.2, NM_001410896.1).
Identifiers: ClinVar variation 1484467 (VCV001484467.9), dbSNP rs757471117, ClinGen allele CA8069426.

ClinVar aggregate classification (germline): Pathogenic/Likely pathogenic. Review status: criteria provided, multiple submitters, no conflicts (2 of 4 stars). 4 submissions from 4 submitters: Pathogenic (1); Likely pathogenic (3). Last evaluated 2024-07-08.

Conditions:
SLC12A3-related disorder. Also called: SLC12A3-related condition.
Familial hypokalemia-hypomagnesemia (GTLMNS). Also called: HYPOMAGNESEMIA-HYPOKALEMIA, PRIMARY RENOTUBULAR, WITH HYPOCALCIURIA; POTASSIUM AND MAGNESIUM DEPLETION; gitelman syndrome. Identifiers: Orphanet 358, MedGen C0268450, MONDO:0009904, OMIM 263800.

Allele frequency attached by ClinVar (database versions not stated): ExAC 0.00001.

Submissions (4):

Labcorp Genetics (formerly Invitae), Labcorp
Classification: Likely pathogenic. Last evaluated: 2024-07-08. Review status: criteria provided, single submitter. Criteria: Invitae Variant Classification Sherloc (09022015). Collection method: clinical testing. Allele origin: germline.
Comment: This sequence change affects a donor splice site in intron 10 of the SLC12A3 gene. It is expected to disrupt RNA splicing. Variants that disrupt the donor or acceptor splice site typically lead to a loss of protein function (PMID: 16199547), and loss-of-function variants in SLC12A3 are known to be pathogenic (PMID: 20848653, 22009145, 25841442). This variant is present in population databases (rs757471117, gnomAD 0.0009%). Disruption of this splice site has been observed in individual(s) with clinical suspicion of Gitelman syndrome (PMID: 22009145). ClinVar contains an entry for this variant (Variation ID: 1484467). Algorithms developed to predict the effect of sequence changes on RNA splicing suggest that this variant may disrupt the consensus splice site. In summary, the currently available evidence indicates that the variant is pathogenic, but additional data are needed to prove that conclusively. Therefore, this variant has been classified as Likely Pathogenic.

Natera, Inc.
Classification: Likely pathogenic for Gitelman syndrome. Last evaluated: 2024-06-25. Review status: criteria provided, single submitter. Criteria: Natera Variant Classification Schema (03/2026). Collection method: clinical testing. Allele origin: germline.
Comment: The c.1335+1G>C variant in SLC12A3 is a canonical splice donor site variant predicted to affect pre-mRNA splicing, which may result in an abnormal transcript and altered protein product. This variant is expected to result in nonsense mediated decay, truncation, or a dysfunctional protein product. This variant is rare in the general population with a frequency below the threshold expected for the associated phenotype(s). Given the available evidence, this variant is classified as Likely Pathogenic.

Fulgent Genetics
Classification: Pathogenic for Familial hypokalemia-hypomagnesemia. Last evaluated: 2024-06-15. Review status: criteria provided, single submitter. Criteria: ACMG Guidelines, 2015. Collection method: clinical testing. Allele origin: germline.

Blueprint Genetics
Classification: Likely pathogenic for SLC12A3-related disorders. Last evaluated: 2021-08-19. Review status: criteria provided, single submitter. Criteria: ACMG Guidelines, 2015. Collection method: clinical testing. Allele origin: germline. Affected: yes. Observed: 2 variant alleles.

Literature cited by the submitters: PubMed 16199547 (cited by Labcorp Genetics (formerly Invitae), Labcorp); PubMed 20848653 (cited by Labcorp Genetics (formerly Invitae), Labcorp); PubMed 22009145 (cited by Labcorp Genetics (formerly Invitae), Labcorp); PubMed 25841442 (cited by Labcorp Genetics (formerly Invitae), Labcorp).